The following is an entry in ClinVar:

ClinVar aggregate classification (germline): Benign/Likely benign. Review status: criteria provided, multiple submitters, no conflicts (2 of 4 stars). 5 submissions from 5 submitters: Benign (1); Likely benign (4). Last evaluated 2026-05-21.

Conditions:
Hereditary cancer-predisposing syndrome. Also called: Hereditary neoplastic syndrome; Neoplastic Syndromes, Hereditary; Hereditary Cancer Syndrome; Tumor predisposition. Identifiers: Orphanet 140162, MedGen C0027672, MeSH D009386, MONDO:0015356.
Cardiovascular phenotype. Identifiers: MedGen CN230736.
Neurofibromatosis, type 1 (NF1). Also called: Peripheral type neurofibromatosis; Neurofibromatosis, type I; VON RECKLINGHAUSEN DISEASE; NEUROFIBROMATOSIS, TYPE I, SOMATIC. Identifiers: Orphanet 636, MedGen C0027831, MONDO:0018975, OMIM 162200. Disease mechanism: loss of function.

Submissions (5):

Myriad Genetics, Inc.
Classification: Benign for Neurofibromatosis, type 1. Last evaluated: 2026-05-21. Review status: criteria provided, single submitter. Criteria: Myriad Autosomal Dominant, Autosomal Recessive and X-Linked Classification Criteria (2023). Collection method: clinical testing. Allele origin: unknown.
Comment: This variant is considered benign. This variant is a silent/synonymous amino acid change and it is not expected to impact splicing.

Labcorp Genetics (formerly Invitae), Labcorp
Classification: Likely benign for Neurofibromatosis, type 1. Last evaluated: 2024-10-09. Review status: criteria provided, single submitter. Criteria: Invitae Variant Classification Sherloc (09022015). Collection method: clinical testing. Allele origin: germline.

Genome-Nilou Lab
Classification: Likely benign for Neurofibromatosis, type 1. Last evaluated: 2022-03-15. Review status: criteria provided, single submitter. Criteria: ACMG Guidelines, 2015. Collection method: clinical testing. Allele origin: germline. Affected: no.

Ambry Genetics
Classification: Likely benign for Cardiovascular phenotype; Hereditary cancer-predisposing syndrome. Last evaluated: 2018-06-22. Review status: criteria provided, single submitter. Criteria: Ambry Variant Classification Scheme 2023. Collection method: clinical testing. Allele origin: germline.

GeneDx
Classification: Likely benign. Last evaluated: 2017-01-26. Review status: criteria provided, single submitter. Criteria: GeneDx Variant Classification (06012015). Collection method: clinical testing. Allele origin: germline. Affected: yes.
Comment: This variant is considered likely benign or benign based on one or more of the following criteria: it is a conservative change, it occurs at a poorly conserved position in the protein, it is predicted to be benign by multiple in silico algorithms, and/or has population frequency not consistent with disease.

NM_001042492.3(NF1):c.7284A>G (p.Lys2428=)

Gene: NF1 (neurofibromin 1; plus strand). Cytogenetic location: 17q11.2.
Variant type: single nucleotide variant.
Coding change: c.7284A>G on transcript NM_001042492.3 (MANE Select); coding-DNA position 7284, A replaced by G.
Protein change: p.Lys2428=; no amino-acid change (lysine 2428 retained).
Molecular consequence: synonymous variant.
Genome position (GRCh38, 1-based): chr17:31,349,214, A>G. VCF-style: chr17-31349214-A-G. GRCh37 (hg19) VCF-style: chr17-29676232-A-G.
Other names: c.7221A>G, p.Lys2407= (NM_000267.4).
Identifiers: ClinVar variation 507079 (VCV000507079.14), dbSNP rs1555536034, ClinGen allele CA499239120.
Genomic context (GRCh38, chr17:31,349,214, plus strand): 5'-AACAGTCAGAATTTTACATACACTACTAACTCTGGTTAACAAACACAGAAATTGTGACAA[A>G]TTTGAAGTGAATACACAGAGCGTGGCCTACTTAGCAGGTAAAAACACAAAATAAACAAAA-3'
Protein context (NP_001035957.1, residues 2418-2438): TLVNKHRNCD[Lys2428=]FEVNTQSVAY